The following is an entry in ClinVar:

ClinVar aggregate classification (germline): Uncertain significance (1 of 4 stars; one submission).

Conditions:
Nephrolithiasis/nephrocalcinosis. Identifiers: MedGen CN580796.

Submission:

Ambry Genetics
Classification: Uncertain significance for Nephrolithiasis/nephrocalcinosis. Last evaluated: 2021-08-13. Review status: criteria provided, single submitter. Criteria: Ambry Variant Classification Scheme 2023. Collection method: clinical testing. Allele origin: germline.
Comment: The p.L950F variant (also known as c.2848C>T), located in coding exon 6 of the CASR gene, results from a C to T substitution at nucleotide position 2848. The leucine at codon 950 is replaced by phenylalanine, an amino acid with highly similar properties. This amino acid position is conserved. In addition, this alteration is predicted to be tolerated by in silico analysis. Since supporting evidence is limited at this time, the clinical significance of this alteration remains unclear.

NM_000388.4(CASR):c.2848C>T (p.Leu950Phe)

Gene: CASR (calcium sensing receptor; plus strand). Cytogenetic location: 3q21.1.
Variant type: single nucleotide variant.
Coding change: c.2848C>T on transcript NM_000388.4 (MANE Select); coding-DNA position 2848, C replaced by T.
Protein change: p.Leu950Phe; replaces leucine 950 with phenylalanine.
Molecular consequence: missense variant.
Genome position (GRCh38, 1-based): chr3:122,284,802, C>T. VCF-style: chr3-122284802-C-T. GRCh37 (hg19) VCF-style: chr3-122003649-C-T.
Other names: c.2878C>T, p.Leu960Phe (NM_001178065.2); short protein forms L950F, L960F.
Identifiers: ClinVar variation 1796791 (VCV001796791.2), dbSNP rs2473282279, ClinGen allele CA354160901.